The following is an entry in ClinVar:

ClinVar aggregate classification (germline): Uncertain significance (1 of 4 stars; one submission).

gnomAD v4.1: 2 of 1,607,592 alleles (0.00012%); highest among the groups gnomAD compares: Admixed American, 0.0017%; no homozygotes.

Submission:

Labcorp Genetics (formerly Invitae), Labcorp
Classification: Uncertain significance. Last evaluated: 2024-06-17. Review status: criteria provided, single submitter. Criteria: Invitae Variant Classification Sherloc (09022015). Collection method: clinical testing. Allele origin: germline.
Comment: This sequence change replaces serine, which is neutral and polar, with asparagine, which is neutral and polar, at codon 98 of the KCNQ5 protein (p.Ser98Asn). The frequency data for this variant in the population databases is considered unreliable, as metrics indicate poor data quality at this position in the gnomAD database. This variant has not been reported in the literature in individuals affected with KCNQ5-related conditions. Advanced modeling of protein sequence and biophysical properties (such as structural, functional, and spatial information, amino acid conservation, physicochemical variation, residue mobility, and thermodynamic stability) performed at Invitae indicates that this missense variant is not expected to disrupt KCNQ5 protein function with a negative predictive value of 80%. In summary, the available evidence is currently insufficient to determine the role of this variant in disease. Therefore, it has been classified as a Variant of Uncertain Significance.

NM_019842.4(KCNQ5):c.293G>A (p.Ser98Asn)

Genes: KCNQ5 (potassium voltage-gated channel subfamily Q member 5; plus strand), KCNQ5-DT (KCNQ5 divergent transcript; minus strand). Cytogenetic location: 6q13.
Variant type: single nucleotide variant.
Coding change: c.293G>A on transcript NM_019842.4 (MANE Select); coding-DNA position 293, G replaced by A.
Protein change: p.Ser98Asn; replaces serine 98 with asparagine.
Molecular consequence: missense variant.
Genome position (GRCh38, 1-based): chr6:72,622,482, G>A. VCF-style: chr6-72622482-G-A. GRCh37 (hg19) VCF-style: chr6-73332210-G-A.
Other names: c.293G>A, p.Ser98Asn (NM_001160130.2, NM_001160132.2, NM_001160133.2 and 1 more transcripts); short protein forms S98N.
Identifiers: ClinVar variation 3691126 (VCV003691126.2).